The following is an entry in ClinVar:

NM_012330.4(KAT6B):c.4852A>T (p.Ser1618Cys)

Gene: KAT6B (lysine acetyltransferase 6B; plus strand). Cytogenetic location: 10q22.2.
Variant type: single nucleotide variant.
Coding change: c.4852A>T on transcript NM_012330.4 (MANE Select); coding-DNA position 4852, A replaced by T.
Protein change: p.Ser1618Cys; replaces serine 1618 with cysteine.
Molecular consequence: missense variant.
Genome position (GRCh38, 1-based): chr10:75,029,676, A>T. VCF-style: chr10-75029676-A-T. GRCh37 (hg19) VCF-style: chr10-76789434-A-T.
Other names: c.4303A>T, p.Ser1435Cys (NM_001256468.2, NM_001370138.1); c.3976A>T, p.Ser1326Cys (NM_001256469.2, NM_001370139.1, NM_001370140.1 and 2 more transcripts); c.3814A>T, p.Ser1272Cys (NM_001370132.1); c.3163A>T, p.Ser1055Cys (NM_001370133.1); c.2767A>T, p.Ser923Cys (NM_001370134.1); c.2509A>T, p.Ser837Cys (NM_001370135.1); c.4852A>T, p.Ser1618Cys (NM_001370136.1, NM_001370137.1); c.3787A>T, p.Ser1263Cys (NM_001370143.1, NM_001370144.1); short protein forms S1272C, S1435C, S1263C, S1618C, S837C, S923C, S1055C, S1326C.
Identifiers: ClinVar variation 4752996 (VCV004752996.1).
Genomic context (GRCh38, chr10:75,029,676, plus strand): 5'-AGCCCAGTTTCATCCGTCCACTCCCATCCTGGCCAGTCCGTACGTTCTGTCAACAGCCCA[A>T]GTGTCCCTGCTCTGGAAAACAGCTACGCCCAAATCAGCCCAGATCAAAGTGCCATCTCAG-3'
Protein context (NP_036462.2, residues 1608-1628): GQSVRSVNSP[Ser1618Cys]VPALENSYAQ

ClinVar aggregate classification (germline): Uncertain significance (1 of 4 stars; one submission).

Conditions:
Genitopatellar syndrome (GTPTS). Also called: Genitopatellar syndrome (GPS); ABSENT PATELLAE, SCROTAL HYPOPLASIA, RENAL ANOMALIES, FACIAL DYSMORPHISM, AND MENTAL RETARDATION. Identifiers: Orphanet 85201, MedGen C1853566, MONDO:0011640, OMIM 606170.

Submission:

Labcorp Genetics (formerly Invitae), Labcorp
Classification: Uncertain significance for Genitopatellar syndrome. Last evaluated: 2025-11-01. Review status: criteria provided, single submitter. Criteria: Invitae Variant Classification Sherloc (09022015). Collection method: clinical testing. Allele origin: germline.
Comment: This sequence change replaces serine, which is neutral and polar, with cysteine, which is neutral and slightly polar, at codon 1618 of the KAT6B protein (p.Ser1618Cys). This variant is present in population databases (rs370040258, gnomAD 0.007%). This variant has not been reported in the literature in individuals affected with KAT6B-related conditions. An algorithm developed to predict the effect of missense changes on protein structure and function (PolyPhen-2) suggests that this variant is likely to be disruptive. In summary, the available evidence is currently insufficient to determine the role of this variant in disease. Therefore, it has been classified as a Variant of Uncertain Significance.